The following is an entry in ClinVar:

ClinVar aggregate classification (germline): Conflicting classifications of pathogenicity. Review status: criteria provided, conflicting classifications (1 of 4 stars). 8 submissions from 6 submitters: Likely pathogenic (1); Uncertain significance (7). Last evaluated 2024-06-18.

Conditions:
Cardiomyopathy (CMYO). Also called: Cardiomyopathies. Identifiers: Orphanet 167848, MedGen C0878544, MONDO:0004994, HP:0001638. Inheritance: Various modes of inheritance.
Cardiovascular phenotype. Identifiers: MedGen CN230736.
Hypertrophic cardiomyopathy 2. Also called: TNNT2-Related Familial Hypertrophic Cardiomyopathy. Identifiers: MedGen C1861864, MONDO:0007266, OMIM 115195.
Cardiomyopathy, familial restrictive, 3. Identifiers: Orphanet 75249, MedGen C2676271, MONDO:0012900, OMIM 612422.
Dilated cardiomyopathy 1D. Identifiers: Orphanet 154, Orphanet 54260, MedGen C1832243, MONDO:0011095, OMIM 601494.

Allele frequency attached by ClinVar (database versions not stated): gnomAD exomes 0.00001.
gnomAD v4.1: 3 of 1,614,128 alleles (0.00019%); highest among the groups gnomAD compares: Non-Finnish European, 0.00025%; no homozygotes.

Submissions (8):

GeneDx
Classification: Uncertain significance. Last evaluated: 2024-06-18. Review status: criteria provided, single submitter. Criteria: GeneDx Variant Classification Process June 2021. Collection method: clinical testing. Allele origin: germline. Affected: yes.
Comment: Not observed at significant frequency in large population cohorts (gnomAD); Nonsense variant predicted to result in protein truncation or nonsense mediated decay in a gene or region of a gene for which loss of function is not a well-established mechanism of disease; Has not been previously published as pathogenic or benign to our knowledge

Color Diagnostics, LLC DBA Color Health
Classification: Uncertain significance for Cardiomyopathy. Last evaluated: 2023-08-24. Review status: criteria provided, single submitter. Criteria: ACMG Guidelines, 2015. Collection method: clinical testing. Allele origin: germline.
Comment: This variant changes 1 nucleotide in exon 5 of the TNNT2 gene, creating a premature translation stop signal. This variant is expected to result in an absent or non-functional protein product. To our knowledge, this variant has not been reported in individuals affected with TNNT2-related disorders in the literature. This variant has been identified in 1/251424 chromosomes in the general population by the Genome Aggregation Database (gnomAD). Clinical relevance of loss-of-function TNNT2 truncation variants in autosomal dominant cardiovascular disorders is not clearly established. The available evidence is insufficient to determine the role of this variant in disease conclusively. Therefore, this variant is classified as a Variant of Uncertain Significance.

Genome-Nilou Lab
Classification: Uncertain significance for Dilated cardiomyopathy 1D. Last evaluated: 2023-04-11. Review status: criteria provided, single submitter. Criteria: ACMG Guidelines, 2015. Collection method: clinical testing. Allele origin: germline. Affected: no.

Genome-Nilou Lab
Classification: Uncertain significance for Cardiomyopathy, familial restrictive, 3. Last evaluated: 2023-04-11. Review status: criteria provided, single submitter. Criteria: ACMG Guidelines, 2015. Collection method: clinical testing. Allele origin: germline. Affected: no.

Genome-Nilou Lab
Classification: Uncertain significance for Hypertrophic cardiomyopathy 2. Last evaluated: 2023-04-11. Review status: criteria provided, single submitter. Criteria: ACMG Guidelines, 2015. Collection method: clinical testing. Allele origin: germline. Affected: no.

Labcorp Genetics (formerly Invitae), Labcorp
Classification: Uncertain significance for Cardiomyopathy, familial restrictive, 3; Hypertrophic cardiomyopathy 2; Dilated cardiomyopathy 1D. Last evaluated: 2023-03-07. Review status: criteria provided, single submitter. Criteria: Invitae Variant Classification Sherloc (09022015). Collection method: clinical testing. Allele origin: germline.
Comment: In summary, the available evidence is currently insufficient to determine the role of this variant in disease. Therefore, it has been classified as a Variant of Uncertain Significance. ClinVar contains an entry for this variant (Variation ID: 537254). This variant has not been reported in the literature in individuals affected with TNNT2-related conditions. This variant is present in population databases (no rsID available, gnomAD no frequency). This sequence change creates a premature translational stop signal (p.Glu45*) in the TNNT2 gene. It is expected to result in an absent or disrupted protein product. However, the current clinical and genetic evidence is not sufficient to establish whether loss-of-function variants in TNNT2 cause disease.

Molecular Diagnostic Laboratory for Inherited Cardiovascular Disease, Montreal Heart Institute
Classification: Likely pathogenic for Cardiovascular phenotype. Last evaluated: 2022-06-28. Review status: criteria provided, single submitter. Criteria: ACMG Guidelines, 2015. Collection method: clinical testing. Allele origin: germline. Affected: yes.

Fulgent Genetics
Classification: Uncertain significance for Hypertrophic cardiomyopathy 2; Dilated cardiomyopathy 1D; Cardiomyopathy, familial restrictive, 3. Last evaluated: 2021-12-06. Review status: criteria provided, single submitter. Criteria: ACMG Guidelines, 2015. Collection method: clinical testing. Allele origin: unknown.

NM_001276345.2(TNNT2):c.163G>T (p.Glu55Ter)

Gene: TNNT2 (troponin T2, cardiac type; minus strand). Cytogenetic location: 1q32.1.
Variant type: single nucleotide variant.
Coding change: c.163G>T on transcript NM_001276345.2 (MANE Select); coding-DNA position 163, G replaced by T.
Protein change: p.Glu55Ter; replaces glutamic acid 55 with a stop codon.
Molecular consequence: nonsense. On other transcripts: missense variant (1).
Genome position (GRCh38, 1-based): chr1:201,368,162, C>A on the plus strand (G>T on the coding strand, the complement: TNNT2 is on the minus strand). VCF-style: chr1-201368162-C-A. GRCh37 (hg19) VCF-style: chr1-201337290-C-A.
Other names: c.163G>T, p.Glu55Ter (NM_000364.4); c.133G>T, p.Glu45Ter (NM_001001430.3, NM_001001431.3, NM_001276347.2); c.118G>T, p.Glu40Ter (NM_001001432.3); c.163G>T, p.Asp55Tyr (NM_001276346.2); short protein forms E45*, D55Y, E55*, E40*.
Identifiers: ClinVar variation 537254 (VCV000537254.17), dbSNP rs730881120, ClinGen allele CA344207177.